The following is an entry in ClinVar:

NM_001348716.2(KDM6B):c.4506G>A (p.Trp1502Ter)

Genes: KDM6B (lysine demethylase 6B; plus strand), LOC121587574 (Sharpr-MPRA regulatory region 3930; plus strand). Cytogenetic location: 17p13.1.
Variant type: single nucleotide variant.
Coding change: c.4506G>A on transcript NM_001348716.2 (MANE Select); coding-DNA position 4506, G replaced by A.
Protein change: p.Trp1502Ter; replaces tryptophan 1502 with a stop codon.
Molecular consequence: nonsense.
Genome position (GRCh38, 1-based): chr17:7,852,532, G>A. VCF-style: chr17-7852532-G-A. GRCh37 (hg19) VCF-style: chr17-7755850-G-A.
Other names: c.4506G>A, p.Trp1502Ter (NM_001080424.2); short protein forms W1502*.
Identifiers: ClinVar variation 3775826 (VCV003775826.1).
Genomic context (GRCh38, chr17:7,852,532, plus strand): 5'-TTGTGATCGCCTTTGGCCCGCAGCCTATCAGTACCAGCTGGCCCTGGAACGATACGAGTG[G>A]AATGAGGTGAAGAACGTCAAATCCATCGTGCCCATGATTCACGTGTCATGGAACGTGGCT-3'

ClinVar aggregate classification (germline): Likely pathogenic (1 of 4 stars; one submission).

Conditions:
Neurodevelopmental disorder with coarse facies and mild distal skeletal abnormalities. Also called: STOLERMAN NEURODEVELOPMENTAL SYNDROME. Identifiers: MedGen C5193134, MONDO:0032790, OMIM 618505.

Submission:

3billion
Classification: Likely pathogenic for Neurodevelopmental disorder with coarse facies and mild distal skeletal abnormalities. Last evaluated: 2023-06-04. Review status: criteria provided, single submitter. Criteria: ACMG Guidelines, 2015. Collection method: clinical testing. Allele origin: germline. Affected: yes.
Comment: The variant is not observed in the gnomAD v2.1.1 dataset. Predicted Consequence/Location: Stop-gained (nonsense): predicted to result in a loss or disruption of normal protein function through nonsense-mediated decay (NMD) or protein truncation. Multiple pathogenic variants are reported downstream of the variant. Therefore, this variant is classified as Likely pathogenic according to the recommendation of ACMG/AMP guideline.